The following is an entry in ClinVar:

NM_000213.5(ITGB4):c.867C>T (p.His289=)

Gene: ITGB4 (integrin subunit beta 4; plus strand). Cytogenetic location: 17q25.1.
Variant type: single nucleotide variant.
Coding change: c.867C>T on transcript NM_000213.5 (MANE Select); coding-DNA position 867, C replaced by T.
Protein change: p.His289=; no amino-acid change (histidine 289 retained).
Molecular consequence: synonymous variant.
Genome position (GRCh38, 1-based): chr17:75,730,369, C>T. VCF-style: chr17-75730369-C-T. GRCh37 (hg19) VCF-style: chr17-73726450-C-T.
Other names: c.867C>T, p.His289= (NM_001005619.2, NM_001005731.3, NM_001321123.2).
Identifiers: ClinVar variation 787994 (VCV000787994.15), dbSNP rs150113215, ClinGen allele CA8768798.

ClinVar aggregate classification (germline): Benign/Likely benign. Review status: criteria provided, multiple submitters, no conflicts (2 of 4 stars). 4 submissions from 4 submitters: Benign (3); Likely benign (1). Last evaluated 2026-01-19.

Conditions:
Junctional epidermolysis bullosa with pyloric atresia. Also called: APLASIA CUTIS CONGENITA WITH GASTROINTESTINAL ATRESIA; CARMI SYNDROME; EB-PA-ACC; Epidermolysis bullosa, junctional, with pyloric atresia and aplasia cutis congenita; Epidermolysis bullosa junctionalis with pyloric atresia; ITGB4-Related Epidermolysis Bullosa with Pyloric Atresia. Identifiers: Orphanet 79403, MedGen C5676875, MONDO:0009183, OMIM 226730.

Allele frequency attached by ClinVar (database versions not stated): gnomAD exomes 0.00042 and 0.00101; ExAC 0.00124; gnomAD 0.00358 and 0.00384; TOPMed 0.00420; ESP Exome Variant Server 0.00423; 1000 Genomes Project 0.00459; 1000 Genomes Project 30x 0.00562.
gnomAD v4.1: 1,186 of 1,613,918 alleles (0.073%); highest among the groups gnomAD compares: African/African-American, 1.4%; 11 homozygotes.

Submissions (4):

Labcorp Genetics (formerly Invitae), Labcorp
Classification: Benign. Last evaluated: 2026-01-19. Review status: criteria provided, single submitter. Criteria: Invitae Variant Classification Sherloc (09022015). Collection method: clinical testing. Allele origin: germline.

Blueprint Genetics
Classification: Likely benign. Last evaluated: 2024-11-01. Review status: criteria provided, single submitter. Criteria: ACMG Guidelines, 2015. Collection method: clinical testing. Allele origin: germline.

Illumina Laboratory Services, Illumina
Classification: Benign for Junctional epidermolysis bullosa with pyloric atresia. Last evaluated: 2018-01-13. Review status: criteria provided, single submitter. Criteria: ICSL Variant Classification Criteria 13 December 2019. Collection method: clinical testing. Allele origin: germline.
Comment: This variant was observed in the ICSL laboratory as part of a predisposition screen in an ostensibly healthy population. It had not been previously curated by ICSL or reported in the Human Gene Mutation Database (HGMD: prior to June 1st, 2018), and was therefore a candidate for classification through an automated scoring system. Utilizing variant allele frequency, disease prevalence and penetrance estimates, and inheritance mode, an automated score was calculated to assess if this variant is too frequent to cause the disease. Based on the score and internal cut-off values, a variant classified as benign is not then subjected to further curation. The score for this variant resulted in a classification of benign for this disease.

Breakthrough Genomics
Classification: Benign. Review status: criteria provided, single submitter. Criteria: ACMG Guidelines, 2015. Collection method: not provided. Allele origin: germline. Inheritance: Autosomal recessive inheritance. Affected: yes.